The following is an entry in ClinVar:

ClinVar aggregate classification (germline): Pathogenic (1 of 4 stars; one submission).

Conditions:
Combined deficiency of sialidase AND beta galactosidase (GSL). Also called: CATHEPSIN A DEFICIENCY; GOLDBERG SYNDROME; NEURAMINIDASE DEFICIENCY WITH BETA-GALACTOSIDASE DEFICIENCY; NEURAMINIDASE/BETA-GALACTOSIDASE EXPRESSION; PPCA DEFICIENCY; PROTECTIVE PROTEIN/CATHEPSIN A DEFICIENCY. Identifiers: Orphanet 351, MedGen C0268233, MONDO:0009737, OMIM 256540.

Allele frequency attached by ClinVar (database versions not stated): ExAC 0.00024; gnomAD 0.00093; 1000 Genomes Project 0.00100.

Submission:

Women's Health and Genetics/Laboratory Corporation of America, LabCorp
Classification: Pathogenic for Combined deficiency of sialidase AND beta galactosidase. Last evaluated: 2025-04-09. Review status: criteria provided, single submitter. Criteria: LabCorp Variant Classification Summary - May 2015. Collection method: clinical testing. Allele origin: germline.
Comment: Variant summary: CTSA c.54delG (p.Leu19X) results in a premature termination codon, predicted to cause absence of the protein due to nonsense mediated decay, which is a commonly known mechanism for disease. The frequency data for this variant in gnomAD is considered unreliable, as metrics indicate poor data quality at this position. To our knowledge, no occurrence of c.54delG in individuals affected with Galactosialidosis and no experimental evidence demonstrating its impact on protein function have been reported. No submitters have cited clinical-significance assessments for this variant to ClinVar. Based on the evidence outlined above, the variant was classified as pathogenic.

NM_000308.4(CTSA):c.54del (p.Leu18_Leu19insTer)

Genes: CTSA (cathepsin A; plus strand), LOC130065974 (ATAC-STARR-seq lymphoblastoid active region 17954; plus strand). Cytogenetic location: 20q13.12.
Variant type: Deletion.
Coding change: c.54del on transcript NM_000308.4 (MANE Select); coding-DNA position 54, one base deleted (G; older notation c.54delG).
Protein change: p.Leu18_Leu19insTer.
Molecular consequence: frameshift variant. On other transcripts: non-coding transcript variant (1).
Genome position (GRCh38, 1-based): chr20:45,891,622, G deleted. VCF-style (leftmost placement, unchanged base first): chr20-45891621-TG-T. GRCh37 (hg19) VCF-style: chr20-44520260-TG-T.
Other names: c.54del, p.Leu18_Leu19insTer (NM_001127695.3, NM_001167594.3); c.54delG (NM_000308.4).
Identifiers: ClinVar variation 3896377 (VCV003896377.2), dbSNP rs530287837.